The following is an entry in ClinVar:

ClinVar aggregate classification (germline): Pathogenic (1 of 4 stars; one submission).

Submission:

Labcorp Genetics (formerly Invitae), Labcorp
Classification: Pathogenic. Last evaluated: 2022-09-27. Review status: criteria provided, single submitter. Criteria: Invitae Variant Classification Sherloc (09022015). Collection method: clinical testing. Allele origin: germline.
Comment: ClinVar contains an entry for this variant (Variation ID: 1455605). This variant has not been reported in the literature in individuals affected with RP1-related conditions. This variant is not present in population databases (gnomAD no frequency). This sequence change creates a premature translational stop signal (p.Ser616Phefs*3) in the RP1 gene. While this is not anticipated to result in nonsense mediated decay, it is expected to disrupt the last 1541 amino acid(s) of the RP1 protein. For these reasons, this variant has been classified as Pathogenic. This variant disrupts the C-terminus of the RP1 protein. Many variants that disrupt this region have been reported in individuals with either autosomal dominant or autosomal recessive retinitis pigmentosa (PMID: 11527933, 19933189, 29425069, 30027431, 33681214). Therefore, variants that disrupt this region are expected to be disease-causing.

Literature cited by the submitters: PubMed 11527933; PubMed 19933189; PubMed 29425069; PubMed 30027431; PubMed 33681214.

NM_006269.2(RP1):c.1846dup (p.Ser616fs)

Gene: RP1 (RP1 axonemal microtubule associated; plus strand). Cytogenetic location: 8q12.1.
Variant type: Duplication.
Coding change: c.1846dup on transcript NM_006269.2 (MANE Select); coding-DNA position 1846, one base duplicated (T; older notation c.1846dupT).
Protein change: p.Ser616fs; shifts the reading frame from serine 616.
Molecular consequence: frameshift variant. On other transcripts: intron variant (1).
Genome position (GRCh38, 1-based): chr8:54,625,728, T duplicated; the last of 5 consecutive T bases (chr8:54,625,724-54,625,728); duplicating any one gives the same sequence. VCF-style (leftmost placement, unchanged base first): chr8-54625723-A-AT. GRCh37 (hg19) VCF-style: chr8-55538283-A-AT.
Other names: c.787+3440dup (NM_001375654.1); short protein forms S616fs.
Identifiers: ClinVar variation 1455605 (VCV001455605.6), dbSNP rs2129316318, ClinGen allele CA2573143217.